The following is an entry in ClinVar:

ClinVar aggregate classification (germline): Uncertain significance (1 of 4 stars; one submission).

gnomAD v4.1: 11 of 1,608,144 alleles (0.00068%); highest among the groups gnomAD compares: Non-Finnish European, 0.00076%; no homozygotes.

Submission:

Labcorp Genetics (formerly Invitae), Labcorp
Classification: Uncertain significance. Last evaluated: 2025-05-16. Review status: criteria provided, single submitter. Criteria: Invitae Variant Classification Sherloc (09022015). Collection method: clinical testing. Allele origin: germline.
Comment: This sequence change replaces proline, which is neutral and non-polar, with serine, which is neutral and polar, at codon 566 of the GRM6 protein (p.Pro566Ser). This variant is not present in population databases (gnomAD no frequency). This variant has not been reported in the literature in individuals affected with GRM6-related conditions. ClinVar contains an entry for this variant (Variation ID: 1922603). Invitae Evidence Modeling of protein sequence and biophysical properties (such as structural, functional, and spatial information, amino acid conservation, physicochemical variation, residue mobility, and thermodynamic stability) indicates that this missense variant is not expected to disrupt GRM6 protein function with a negative predictive value of 95%. In summary, the available evidence is currently insufficient to determine the role of this variant in disease. Therefore, it has been classified as a Variant of Uncertain Significance.

NM_000843.4(GRM6):c.1696C>T (p.Pro566Ser)

Genes: GRM6 (glutamate metabotropic receptor 6; minus strand), ZNF454 (zinc finger protein 454; plus strand). Cytogenetic location: 5q35.3.
Variant type: single nucleotide variant.
Coding change: c.1696C>T on transcript NM_000843.4 (MANE Select); coding-DNA position 1696, C replaced by T.
Protein change: p.Pro566Ser; replaces proline 566 with serine.
Molecular consequence: missense variant.
Genome position (GRCh38, 1-based): chr5:178,986,558, G>A on the plus strand (C>T on the coding strand, the complement: GRM6 is on the minus strand). VCF-style: chr5-178986558-G-A. GRCh37 (hg19) VCF-style: chr5-178413559-G-A.
Other names: short protein forms P566S.
Identifiers: ClinVar variation 1922603 (VCV001922603.5), dbSNP rs1760557690, ClinGen allele CA362427531.